The following is an entry in ClinVar:

ClinVar aggregate classification (germline): Uncertain significance (1 of 4 stars; one submission).

Submission:

CeGaT Center for Human Genetics Tuebingen
Classification: Uncertain significance. Last evaluated: 2025-06-01. Review status: criteria provided, single submitter. Criteria: CeGaT Center For Human Genetics Tuebingen Variant Classification Criteria Version 2. Collection method: clinical testing. Allele origin: germline. Affected: yes. Observed: 1 variant allele.
Comment: FGF12: PM2, PP2

NM_004113.6(FGF12):c.14-47616G>T

Gene: FGF12 (fibroblast growth factor 12; minus strand). Cytogenetic location: 3q28.
Variant type: single nucleotide variant.
Coding change: c.14-47616G>T on transcript NM_004113.6 (MANE Select); 47616 bases into the intron before coding-DNA position 14, G replaced by T.
Molecular consequence: intron variant. On other transcripts: missense variant (1).
Genome position (GRCh38, 1-based): chr3:192,408,154, C>A on the plus strand (G>T on the coding strand, the complement: FGF12 is on the minus strand). VCF-style: chr3-192408154-C-A. GRCh37 (hg19) VCF-style: chr3-192125943-C-A.
Other names: c.70G>T, p.Val24Leu (NM_021032.5); c.-59-47616G>T (NM_001377293.1); c.14-72690G>T (NM_001377292.1); c.-60+1358G>T (NM_001377294.1); short protein forms V24L.
Identifiers: ClinVar variation 4085241 (VCV004085241.8).